The following is an entry in ClinVar:

NM_004046.6(ATP5F1A):c.894G>C (p.Glu298Asp)

Gene: ATP5F1A (ATP synthase F1 subunit alpha; minus strand). Cytogenetic location: 18q21.1.
Variant type: single nucleotide variant.
Coding change: c.894G>C on transcript NM_004046.6 (MANE Select); coding-DNA position 894, G replaced by C.
Protein change: p.Glu298Asp; replaces glutamic acid 298 with aspartic acid.
Molecular consequence: missense variant.
Genome position (GRCh38, 1-based): chr18:46,087,398, C>G on the plus strand (G>C on the coding strand, the complement: ATP5F1A is on the minus strand). VCF-style: chr18-46087398-C-G. GRCh37 (hg19) VCF-style: chr18-43667364-C-G.
Other names: c.894G>C, p.Glu298Asp (NM_001001937.2); c.828G>C, p.Glu276Asp (NM_001257334.2); c.744G>C, p.Glu248Asp (NM_001257335.2, NM_001001935.3); short protein forms E248D, E276D, E298D.
Identifiers: ClinVar variation 2753087 (VCV002753087.3), dbSNP rs1159279185, ClinGen allele CA402355251.

ClinVar aggregate classification (germline): Uncertain significance (1 of 4 stars; one submission).

Submission:

Labcorp Genetics (formerly Invitae), Labcorp
Classification: Uncertain significance. Last evaluated: 2025-03-17. Review status: criteria provided, single submitter. Criteria: Invitae Variant Classification Sherloc (09022015). Collection method: clinical testing. Allele origin: germline.
Comment: This sequence change replaces glutamic acid, which is acidic and polar, with aspartic acid, which is acidic and polar, at codon 298 of the ATP5A1 protein (p.Glu298Asp). This variant is not present in population databases (gnomAD no frequency). This variant has not been reported in the literature in individuals affected with ATP5A1-related conditions. ClinVar contains an entry for this variant (Variation ID: 2753087). Invitae Evidence Modeling of protein sequence and biophysical properties (such as structural, functional, and spatial information, amino acid conservation, physicochemical variation, residue mobility, and thermodynamic stability) indicates that this missense variant is expected to disrupt ATP5A1 protein function with a positive predictive value of 80%. In summary, the available evidence is currently insufficient to determine the role of this variant in disease. Therefore, it has been classified as a Variant of Uncertain Significance.